The following is an entry in ClinVar:

NM_014495.4(ANGPTL3):c.372del (p.Glu125fs)

Genes: ANGPTL3 (angiopoietin like 3; plus strand), DOCK7 (dedicator of cytokinesis 7; minus strand). Cytogenetic location: 1p31.3.
Variant type: Deletion.
Coding change: c.372del on transcript NM_014495.4 (MANE Select); coding-DNA position 372, one base deleted (T; older notation c.372delT).
Protein change: p.Glu125fs; shifts the reading frame from glutamic acid 125.
Molecular consequence: frameshift variant. On other transcripts: intron variant (7).
Genome position (GRCh38, 1-based): chr1:62,597,938, T deleted; the last of 2 consecutive T bases (chr1:62,597,937-62,597,938); deleting either gives the same sequence. VCF-style (leftmost placement, unchanged base first): chr1-62597936-CT-C. GRCh37 (hg19) VCF-style: chr1-63063607-CT-C.
Other names: c.1683-11313del (NM_001272001.2, NM_001272000.2, NM_033407.4 and 4 more transcripts); c.372delT (NM_014495.4); short protein forms E125fs.
Identifiers: ClinVar variation 4845847 (VCV004845847.1).

ClinVar aggregate classification (germline): Likely pathogenic (1 of 4 stars; one submission).

Conditions:
Developmental and epileptic encephalopathy, 23 (DEE23). Also called: Epileptic encephalopathy, early infantile, 23. Identifiers: Orphanet 411986, MedGen C4014492, MONDO:0014371, OMIM 615859.
Familial hypobetalipoproteinemia 2. Also called: HYPOLIPIDEMIA, FAMILIAL, COMBINED. Identifiers: MedGen C1857970, MONDO:0011505, OMIM 605019.

Submission:

First Genomix Gene Laboratory, Genetic Diagnostics Department
Classification: Likely pathogenic for Developmental and epileptic encephalopathy, 23; Familial hypobetalipoproteinemia 2. Last evaluated: 2025-03-14. Review status: criteria provided, single submitter. Criteria: ACMG Guidelines, 2015. Collection method: clinical testing. Allele origin: germline. Inheritance: Autosomal recessive inheritance. Affected: no. Observed: 1 variant allele.